The following is an entry in ClinVar:

NM_000264.5(PTCH1):c.3028C>T (p.Pro1010Ser)

Gene: PTCH1 (patched 1; minus strand). Cytogenetic location: 9q22.32.
Variant type: single nucleotide variant.
Coding change: c.3028C>T on transcript NM_000264.5 (MANE Select); coding-DNA position 3028, C replaced by T.
Protein change: p.Pro1010Ser; replaces proline 1010 with serine.
Molecular consequence: missense variant. On other transcripts: non-coding transcript variant (1).
Genome position (GRCh38, 1-based): chr9:95,458,153, G>A on the plus strand (C>T on the coding strand, the complement: PTCH1 is on the minus strand). VCF-style: chr9-95458153-G-A. GRCh37 (hg19) VCF-style: chr9-98220435-G-A.
Other names: c.2830C>T, p.Pro944Ser (NM_001083602.3); c.3025C>T, p.Pro1009Ser (NM_001083603.3); c.2575C>T, p.Pro859Ser (NM_001083604.3, NM_001083605.3, NM_001083606.3 and 1 more transcripts); c.2872C>T, p.Pro958Ser (NM_001354918.2); short protein forms P1010S, P859S, P958S, P1009S, P944S.
Identifiers: ClinVar variation 4676232 (VCV004676232.2).

ClinVar aggregate classification (germline): Uncertain significance (1 of 4 stars; one submission).

Conditions:
Hereditary cancer-predisposing syndrome. Also called: Neoplastic Syndromes, Hereditary; Tumor predisposition; Hereditary Cancer Syndrome; Hereditary neoplastic syndrome. Identifiers: Orphanet 140162, MedGen C0027672, MeSH D009386, MONDO:0015356.

Submission:

Ambry Genetics
Classification: Uncertain significance for Hereditary cancer-predisposing syndrome. Last evaluated: 2026-05-08. Review status: criteria provided, single submitter. Criteria: Ambry Variant Classification Scheme 2023. Collection method: clinical testing. Allele origin: germline.
Comment: The p.P1010S variant (also known as c.3028C>T), located in coding exon 18 of the PTCH1 gene, results from a C to T substitution at nucleotide position 3028. The proline at codon 1010 is replaced by serine, an amino acid with similar properties. This amino acid position is conserved. In addition, this alteration is predicted to be deleterious by in silico analysis. Based on the available evidence, the clinical significance of this variant remains unclear.